The following is an entry in ClinVar:

ClinVar aggregate classification (germline): Uncertain significance (1 of 4 stars; one submission).

Conditions:
Hereditary nonpolyposis colorectal neoplasms. Identifiers: MedGen C0009405, MeSH D003123.

Submission:

Labcorp Genetics (formerly Invitae), Labcorp
Classification: Uncertain significance for Hereditary nonpolyposis colorectal neoplasms. Last evaluated: 2026-01-07. Review status: criteria provided, single submitter. Criteria: Invitae Variant Classification Sherloc (09022015). Collection method: clinical testing. Allele origin: germline.
Comment: This variant, c.3936_3941dup, results in the insertion of 2 amino acid(s) of the MSH6 protein (p.Ile1313_Gln1314insHisIle), but otherwise preserves the integrity of the reading frame. This variant is not present in population databases (gnomAD no frequency). This variant has not been reported in the literature in individuals affected with MSH6-related conditions. ClinVar contains an entry for this variant (Variation ID: 525848). Experimental studies and prediction algorithms are not available or were not evaluated, and the functional significance of this variant is currently unknown. In summary, the available evidence is currently insufficient to determine the role of this variant in disease. Therefore, it has been classified as a Variant of Uncertain Significance.

NM_000179.3(MSH6):c.3936_3941dup (p.Ile1313_Gln1314insHisIle)

Gene: MSH6 (mutS homolog 6; plus strand). Cytogenetic location: 2p16.3.
Variant type: Duplication.
Coding change: c.3936_3941dup on transcript NM_000179.3 (MANE Select); coding-DNA positions 3936 to 3941, 6 bases duplicated (TATTCA; older notation c.3936_3941dupTATTCA).
Protein change: p.Ile1313_Gln1314insHisIle.
Molecular consequence: inframe insertion.
Genome position (GRCh38, 1-based): chr2:47,806,586-47,806,591, TATTCA duplicated. VCF-style (leftmost placement, unchanged base first): chr2-47806585-T-TTATTCA. GRCh37 (hg19) VCF-style: chr2-48033724-T-TTATTCA.
Other names: c.3936_3941dupTATTCA (NM_000179.2); c.3546_3551dup, p.Ile1183_Gln1184insHisIle (NM_001281492.2); c.3030_3035dup, p.Ile1011_Gln1012insHisIle (NM_001281493.2, NM_001281494.2).
Identifiers: ClinVar variation 525848 (VCV000525848.9), dbSNP rs1553333654, ClinGen allele CA658795758.